The following is an entry in ClinVar:

NM_001005373.4(LRSAM1):c.487C>T (p.Gln163Ter)

Gene: LRSAM1 (leucine rich repeat and sterile alpha motif containing 1; plus strand). Cytogenetic location: 9q33.3.
Variant type: single nucleotide variant.
Coding change: c.487C>T on transcript NM_001005373.4 (MANE Select); coding-DNA position 487, C replaced by T.
Protein change: p.Gln163Ter; replaces glutamine 163 with a stop codon.
Molecular consequence: nonsense. On other transcripts: 5 prime UTR variant (1), non-coding transcript variant (2).
Genome position (GRCh38, 1-based): chr9:127,462,332, C>T. VCF-style: chr9-127462332-C-T. GRCh37 (hg19) VCF-style: chr9-130224611-C-T.
Other names: c.487C>T, p.Gln163Ter (NM_001005374.4, NM_001190723.3, NM_001384142.1 and 2 more transcripts); c.-298C>T (NM_001384144.1); short protein forms Q163*.
Identifiers: ClinVar variation 4822533 (VCV004822533.4).

ClinVar aggregate classification (germline): Pathogenic (1 of 4 stars; one submission).

Submission:

CeGaT Center for Human Genetics Tuebingen
Classification: Pathogenic. Last evaluated: 2026-02-01. Review status: criteria provided, single submitter. Criteria: CeGaT Center For Human Genetics Tuebingen Variant Classification Criteria Version 2. Collection method: clinical testing. Allele origin: germline. Affected: yes. Observed: 1 variant allele.
Comment: LRSAM1: PVS1, PM2